The following is an entry in ClinVar:

NM_138694.4(PKHD1):c.2341C>T (p.Arg781Ter)

Gene: PKHD1 (PKHD1 ciliary IPT domain containing fibrocystin/polyductin; minus strand). Cytogenetic location: 6p12.2.
Variant type: single nucleotide variant.
Coding change: c.2341C>T on transcript NM_138694.4 (MANE Select); coding-DNA position 2341, C replaced by T.
Protein change: p.Arg781Ter; replaces arginine 781 with a stop codon.
Molecular consequence: nonsense.
Genome position (GRCh38, 1-based): chr6:52,048,558, G>A on the plus strand (C>T on the coding strand, the complement: PKHD1 is on the minus strand). VCF-style: chr6-52048558-G-A. GRCh37 (hg19) VCF-style: chr6-51913356-G-A.
Other names: c.2341C>T (NM_170724.2); c.2341C>T, p.Arg781Ter (NM_170724.3); short protein forms R781*.
Identifiers: ClinVar variation 96387 (VCV000096387.67), dbSNP rs398124478, ClinGen allele CA224056.

ClinVar aggregate classification (germline): Pathogenic. Review status: criteria provided, multiple submitters, no conflicts (2 of 4 stars). 23 submissions from 22 submitters: Pathogenic (18). 5 of the submissions do not count toward it. Last evaluated 2026-01-21.

Conditions:
PKHD1-related disorder. Also called: PKHD1-related condition.
Polycystic kidney disease 4 (PKD4). Also called: PKD3; Autosomal Recessive Polycystic Kidney Disease – PKHD1; POLYCYSTIC KIDNEY DISEASE 4 WITH OR WITHOUT POLYCYSTIC LIVER DISEASE; POLYCYSTIC KIDNEY AND HEPATIC DISEASE 1; POLYCYSTIC KIDNEY DISEASE, INFANTILE, TYPE I. Identifiers: MedGen C4540575, MONDO:0033004, OMIM 263200.
Autosomal dominant polycystic kidney disease. Identifiers: Orphanet 730, MedGen C0085413, MONDO:0004691.
Autosomal recessive polycystic kidney disease (ARPKD). Also called: AR polycystic kidney disease. Identifiers: Orphanet 731, Orphanet 8378, MedGen C0085548, MeSH D017044, MONDO:0009889.

Allele frequency attached by ClinVar (database versions not stated): gnomAD 0.00005 and 0.00004; ExAC 0.00002; gnomAD exomes 0.00004; TOPMed 0.00009.
gnomAD v4.1: 73 of 1,613,852 alleles (0.0045%); highest among the groups gnomAD compares: Non-Finnish European, 0.0054%; no homozygotes.

Submissions 1 to 14 of 23:

3billion
Classification: Pathogenic for Polycystic kidney disease 4. Last evaluated: 2026-01-21. Review status: criteria provided, single submitter. Criteria: ACMG Guidelines, 2015. Collection method: clinical testing. Allele origin: germline. Affected: yes.
Comment: The variant is observed at an extremely low frequency in the gnomAD v4.1.0 dataset (total allele frequency: 0.005%). Predicted Consequence/Location: Stop-gained (nonsense): predicted to result in a loss or disruption of normal protein function through nonsense-mediated decay (NMD) or protein truncation. Multiple pathogenic variants are reported downstream of the variant. The variant has been reported at least twice as pathogenic with clinical assertions and evidence for the classification (ClinVar ID: VCV000096387 /PMID: 15805161). Therefore, this variant is classified as Pathogenic according to the recommendation of ACMG/AMP guideline.

Natera, Inc.
Classification: Pathogenic for Autosomal recessive polycystic kidney disease. Last evaluated: 2025-12-29. Review status: criteria provided, single submitter. Criteria: Natera Variant Classification Schema (03/2026). Collection method: clinical testing. Allele origin: germline.
Comment: The c.2341C>T variant in PKHD1 is a nonsense variant predicted to introduce a stop codon at amino acid 781. This variant is expected to result in nonsense mediated decay, truncation, or a dysfunctional protein product. This variant is rare in the general population with a frequency below the threshold expected for the associated phenotype(s). This variant has been observed in one or more individuals affected with the associated recessive disease, as either homozygous or compound heterozygous with a second variant (PMID: 29801666, 34031707). Given the available evidence, this variant is classified as Pathogenic.

Blueprint Genetics
Classification: Pathogenic for PKHD1-related disorders. Last evaluated: 2024-11-24. Review status: criteria provided, single submitter. Criteria: ACMG Guidelines, 2015. Collection method: clinical testing. Allele origin: germline. Affected: yes. Observed: 5 variant alleles.

Labcorp Genetics (formerly Invitae), Labcorp
Classification: Pathogenic for Autosomal recessive polycystic kidney disease. Last evaluated: 2024-07-01. Review status: criteria provided, single submitter. Criteria: Invitae Variant Classification Sherloc (09022015). Collection method: clinical testing. Allele origin: germline.
Comment: This sequence change creates a premature translational stop signal (p.Arg781*) in the PKHD1 gene. It is expected to result in an absent or disrupted protein product. Loss-of-function variants in PKHD1 are known to be pathogenic (PMID: 19940839). This variant is present in population databases (rs398124478, gnomAD 0.007%). This premature translational stop signal has been observed in individual(s) with polycystic kidney disease (PKD) and features suggestive of PKD (PMID: 15805161, 24710345, 28578020, 29956005). In at least one individual the data is consistent with being in trans (on the opposite chromosome) from a pathogenic variant. It has also been observed to segregate with disease in related individuals. ClinVar contains an entry for this variant (Variation ID: 96387). Algorithms developed to predict the effect of sequence changes on RNA splicing suggest that this variant may disrupt the consensus splice site. For these reasons, this variant has been classified as Pathogenic.

Mayo Clinic Laboratories, Mayo Clinic
Classification: Pathogenic. Last evaluated: 2023-09-29. Review status: criteria provided, single submitter. Criteria: ACMG Guidelines, 2015. Collection method: clinical testing. Allele origin: germline. Observed: 1 variant allele.
Comment: PM2_moderate, PM3, PVS1

GeneDx
Classification: Pathogenic. Last evaluated: 2023-07-20. Review status: criteria provided, single submitter. Criteria: GeneDx Variant Classification Process June 2021. Collection method: clinical testing. Allele origin: germline. Affected: yes.
Comment: Nonsense variant predicted to result in protein truncation or nonsense mediated decay in a gene for which loss-of-function is a known mechanism of disease; Not observed at significant frequency in large population cohorts (gnomAD); This variant is associated with the following publications: (PMID: 25525159, 23891399, 15805161, 24710345, 15698423, 16133180, 29956005, 19940839, 19914852, 30275481, 31395954, 28578020, 33123899, 32359821, 32939031, 31328266, 35768702)

Department of Pathology and Laboratory Medicine, Sinai Health System
Classification: Pathogenic for Polycystic kidney disease 4. Last evaluated: 2021-09-01. Review status: criteria provided, single submitter. Criteria: ACMG Guidelines, 2015. Collection method: clinical testing. Allele origin: germline. Affected: yes.

Fulgent Genetics
Classification: Pathogenic for Polycystic kidney disease 4. Last evaluated: 2021-06-30. Review status: criteria provided, single submitter. Criteria: ACMG Guidelines, 2015. Collection method: clinical testing. Allele origin: unknown.
Comment: This variant has been detected in individual(s) who were sent for testing of Renasight - kidney gene panel.

Victorian Clinical Genetics Services, Murdoch Childrens Research Institute
Classification: Pathogenic for Polycystic kidney disease 4. Last evaluated: 2019-01-07. Review status: criteria provided, single submitter. Criteria: ACMG Guidelines, 2015. Collection method: clinical testing. Allele origin: unknown. Affected: yes.
Comment: A heterozygous nonsense variant, NM_138694.3(PKHD1):c.2341C>T, has been identified in exon 23 of 67 of the PKHD1 gene. The variant is predicted to result in a premature stop codon at position 781 of the protein (NP_619639.3(PKHD1):p.(Arg781*)). This variant is predicted to result in loss of protein function through nonsense-mediated decay, which is a reported mechanism of pathogenicity for this gene. The variant is present in the gnomAD database at a frequency of 0.004% (10 heterozygotes, 0 homozygotes). The variant has been previously described as pathogenic in multiple patients with autosomal recessive kidney disease (ClinVar, Sharp, A. M., et al. (2005), Hao, X., et al. (2014), Bullich, G., et al. (2018)). Many upstream and downstream variants resulting in a premature termination codon have been reported in patients with polycystic kidney disease (ClinVar). Based on the information available at the time of curation, this variant has been classified as PATHOGENIC.

Institute of Human Genetics, University of Leipzig Medical Center
Classification: Pathogenic for Polycystic kidney disease 4. Last evaluated: 2019-01-01. Review status: criteria provided, single submitter. Criteria: ACMG Guidelines, 2015. Collection method: clinical testing. Allele origin: unknown. Affected: no.

Fulgent Genetics
Classification: Pathogenic for Polycystic kidney disease 4. Last evaluated: 2018-10-31. Review status: criteria provided, single submitter. Criteria: ACMG Guidelines, 2015. Collection method: clinical testing. Allele origin: unknown.

Women's Health and Genetics/Laboratory Corporation of America, LabCorp
Classification: Pathogenic for Autosomal recessive polycystic kidney disease. Last evaluated: 2018-03-19. Review status: criteria provided, single submitter. Criteria: LabCorp Variant Classification Summary - May 2015. Collection method: clinical testing. Allele origin: germline.
Comment: Variant summary: PKHD1 c.2341C>T (p.Arg781X) results in a premature termination codon, predicted to cause a truncation of the encoded protein or absence of the protein due to nonsense mediated decay, which are commonly known mechanisms for disease. The variant allele was found at a frequency of 4.1e-05 in 246784 control chromosomes (in gnomAD and publication data). This frequency is not significantly higher than expected for a pathogenic variant in PKHD1 causing Polycystic Kidney and Hepatic Disease (4.1e-05 vs 7.10e-03), allowing no conclusion about variant significance. c.2341C>T has been reported in the literature in multiple individuals affected with Polycystic Kidney and Hepatic Disease (e.g. Sharp 2005, Bergmann 2005, Losekoot 2005). These data indicate that the variant is very likely to be associated with disease. To our knowledge, no experimental evidence demonstrating an impact on protein function has been reported. Two clinical diagnostic laboratories have submitted clinical-significance assessments for this variant to ClinVar after 2014 without evidence for independent evaluation, and both of them classified the variant as pathogenic. Based on the evidence outlined above, the variant was classified as pathogenic.

Institute of Human Genetics Munich, TUM University Hospital
Classification: Pathogenic for Polycystic kidney disease 4. Last evaluated: 2017-12-07. Review status: criteria provided, single submitter. Criteria: Classification criteria August 2017. Collection method: clinical testing. Allele origin: maternal. Inheritance: Autosomal recessive inheritance. Affected: yes. Observed: 1 compound heterozygote.

Eurofins Ntd Llc (ga)
Classification: Pathogenic. Last evaluated: 2015-12-16. Review status: criteria provided, single submitter. Criteria: EGL Classification Definitions. Collection method: clinical testing. Allele origin: germline. Observed: 4 variant alleles, 4 heterozygotes.